The following is an entry in ClinVar:

NM_020297.4(ABCC9):c.2946C>A (p.Cys982Ter)

Gene: ABCC9 (ATP binding cassette subfamily C member 9; minus strand). Cytogenetic location: 12p12.1.
Variant type: single nucleotide variant.
Coding change: c.2946C>A on transcript NM_020297.4 (MANE Select); coding-DNA position 2946, C replaced by A.
Protein change: p.Cys982Ter; replaces cysteine 982 with a stop codon.
Molecular consequence: nonsense.
Genome position (GRCh38, 1-based): chr12:21,845,753, G>T on the plus strand (C>A on the coding strand, the complement: ABCC9 is on the minus strand). VCF-style: chr12-21845753-G-T. GRCh37 (hg19) VCF-style: chr12-21998687-G-T.
Other names: c.2946C>A, p.Cys982Ter (NM_001377273.1, NM_005691.4); c.2079C>A, p.Cys693Ter (NM_001377274.1); short protein forms C693*, C982*.
Identifiers: ClinVar variation 3373552 (VCV003373552.1).

ClinVar aggregate classification (germline): Uncertain significance (1 of 4 stars; one submission).

gnomAD v4.1: 3 of 1,613,798 alleles (0.00019%); highest among the groups gnomAD compares: Non-Finnish European, 0.00025%; no homozygotes.

Submission:

GeneDx
Classification: Uncertain significance. Last evaluated: 2024-02-29. Review status: criteria provided, single submitter. Criteria: GeneDx Variant Classification Process June 2021. Collection method: clinical testing. Allele origin: germline. Affected: yes.
Comment: Has not been previously published as pathogenic or benign to our knowledge; Not observed at significant frequency in large population cohorts (gnomAD); Nonsense variant predicted to result in protein truncation or nonsense mediated decay in a gene or region of a gene for which loss of function is not a well-established mechanism of disease